The following is an entry in ClinVar:

ClinVar aggregate classification (germline): Uncertain significance. Review status: criteria provided, multiple submitters, no conflicts (2 of 4 stars). 2 submissions from 2 submitters: Uncertain significance (2). Last evaluated 2025-08-12.

Allele frequency attached by ClinVar (database versions not stated): ExAC 0.00002; gnomAD 0.00005; TOPMed 0.00006; ESP Exome Variant Server 0.00008; gnomAD exomes 0.00014.
gnomAD v4.1: 206 of 1,596,282 alleles (0.013%); highest among the groups gnomAD compares: Non-Finnish European, 0.017%; 1 homozygote.

Submissions (2):

Labcorp Genetics (formerly Invitae), Labcorp
Classification: Uncertain significance. Last evaluated: 2025-08-12. Review status: criteria provided, single submitter. Criteria: Invitae Variant Classification Sherloc (09022015). Collection method: clinical testing. Allele origin: germline.
Comment: This sequence change replaces asparagine, which is neutral and polar, with isoleucine, which is neutral and non-polar, at codon 306 of the SUCO protein (p.Asn306Ile). This variant is present in population databases (rs368774692, gnomAD 0.009%). This variant has not been reported in the literature in individuals affected with SUCO-related conditions. ClinVar contains an entry for this variant (Variation ID: 2051133). An algorithm developed to predict the effect of missense changes on protein structure and function (PolyPhen-2) suggests that this variant is likely to be disruptive. In summary, the available evidence is currently insufficient to determine the role of this variant in disease. Therefore, it has been classified as a Variant of Uncertain Significance.

Ambry Genetics
Classification: Uncertain significance. Last evaluated: 2025-06-11. Review status: criteria provided, single submitter. Criteria: Ambry Variant Classification Scheme 2023. Collection method: clinical testing. Allele origin: germline.

NM_014283.5(SUCO):c.917A>T (p.Asn306Ile)

Gene: SUCO (SUN domain containing ossification factor; plus strand). Cytogenetic location: 1q24.3.
Variant type: single nucleotide variant.
Coding change: c.917A>T on transcript NM_014283.5 (MANE Select); coding-DNA position 917, A replaced by T.
Protein change: p.Asn306Ile; replaces asparagine 306 with isoleucine.
Molecular consequence: missense variant. On other transcripts: 5 prime UTR variant (1).
Genome position (GRCh38, 1-based): chr1:172,570,107, A>T. VCF-style: chr1-172570107-A-T. GRCh37 (hg19) VCF-style: chr1-172539247-A-T.
Other names: c.806A>T, p.Asn269Ile (NM_001282750.2); c.-613A>T (NM_001282751.2); c.1391A>T, p.Asn464Ile (NM_016227.4); c.917A>T (NM_014283.3); short protein forms N269I, N464I, N306I.
Identifiers: ClinVar variation 2051133 (VCV002051133.5), dbSNP rs368774692, ClinGen allele CA1246681.
Genomic context (GRCh38, chr1:172,570,107, plus strand): 5'-GTCAGTCGATGCATGCATCTTCTAATGGAGGTTCACATGCCACCAAAAAGGTCCAGAAAA[A>T]TCGAAATAATTATGCCTCAGTAGAATGTGGTGCCAAAATTCTAGCAGCTAATCCAGAAGC-3'
Protein context (NP_055098.1, residues 296-316): GSHATKKVQK[Asn306Ile]RNNYASVECG